The following is an entry in ClinVar:

ClinVar aggregate classification (germline): Uncertain significance (1 of 4 stars; one submission).

Conditions:
Glycogen storage disease type III (GSD3). Also called: Cori disease; FORBES DISEASE. Identifiers: Orphanet 366, MedGen C0017922, MONDO:0009291, OMIM 232400.

Allele frequency attached by ClinVar (database versions not stated): gnomAD exomes below 0.00001.
gnomAD v4.1: 4 of 1,614,066 alleles (0.00025%); highest among the groups gnomAD compares: Non-Finnish European, 0.000085%; no homozygotes.

Submission:

Labcorp Genetics (formerly Invitae), Labcorp
Classification: Uncertain significance for Glycogen storage disease type III. Last evaluated: 2022-07-19. Review status: criteria provided, single submitter. Criteria: Invitae Variant Classification Sherloc (09022015). Collection method: clinical testing. Allele origin: germline.
Comment: This sequence change replaces phenylalanine, which is neutral and non-polar, with leucine, which is neutral and non-polar, at codon 717 of the AGL protein (p.Phe717Leu). This variant is not present in population databases (gnomAD no frequency). This variant has not been reported in the literature in individuals affected with AGL-related conditions. Algorithms developed to predict the effect of missense changes on protein structure and function (SIFT, PolyPhen-2, Align-GVGD) all suggest that this variant is likely to be tolerated. In summary, the available evidence is currently insufficient to determine the role of this variant in disease. Therefore, it has been classified as a Variant of Uncertain Significance.

NM_000642.3(AGL):c.2149T>C (p.Phe717Leu)

Gene: AGL (amylo-alpha-1,6-glucosidase and 4-alpha-glucanotransferase; plus strand). Cytogenetic location: 1p21.2.
Variant type: single nucleotide variant.
Coding change: c.2149T>C on transcript NM_000642.3 (MANE Select); coding-DNA position 2149, T replaced by C.
Protein change: p.Phe717Leu; replaces phenylalanine 717 with leucine.
Molecular consequence: missense variant.
Genome position (GRCh38, 1-based): chr1:99,881,439, T>C. VCF-style: chr1-99881439-T-C. GRCh37 (hg19) VCF-style: chr1-100346995-T-C.
Other names: c.2149T>C, p.Phe717Leu (NM_000028.3, NM_000643.3, NM_000644.3 and 2 more transcripts); c.2101T>C, p.Phe701Leu (NM_000646.3); c.1948T>C, p.Phe650Leu (NM_001425327.1); c.1945T>C, p.Phe649Leu (NM_001425328.1, NM_001425329.1); c.1771T>C, p.Phe591Leu (NM_001425332.1); short protein forms F701L, F717L, F591L, F649L, F650L.
Identifiers: ClinVar variation 2196824 (VCV002196824.1), dbSNP rs2524652528, ClinGen allele CA341319465.
Genomic context (GRCh38, chr1:99,881,439, plus strand): 5'-GGCATTATTGCAGCCAGGTGTGCTATCAGTAAACTTCATCAGGAGCTTGGAGCCAAGGGT[T>C]TTATTCAGGCAAGAAATAATTAAATTTGTTTCTTCAGGTTCAATTTCAGAGTAAGTCTTT-3'
Protein context (NP_000633.2, residues 707-727): KLHQELGAKG[Phe717Leu]IQVYVDQVDE